The following is an entry in ClinVar:

NM_000368.5(TSC1):c.1200_1201del (p.Cys401fs)

Gene: TSC1 (TSC complex subunit 1; minus strand). Cytogenetic location: 9q34.13.
Variant type: Microsatellite.
Coding change: c.1200_1201del on transcript NM_000368.5 (MANE Select); coding-DNA positions 1200 to 1201, 2 bases deleted (CT; older notation c.1200_1201delCT).
Protein change: p.Cys401fs; shifts the reading frame from cysteine 401.
Molecular consequence: frameshift variant.
Genome position (GRCh38, 1-based): chr9:132,910,633-132,910,634, AG deleted on the plus strand (CT on the coding strand, the reverse complement: TSC1 is on the minus strand); deleting any 2 consecutive bases within chr9:132,910,633-132,910,636 gives the same sequence; the c. name uses the placement nearest the transcript's 3' end. VCF-style (leftmost placement, unchanged base first): chr9-132910632-CAG-C. GRCh37 (hg19) VCF-style: chr9-135786019-CAG-C.
Other names: c.1200_1201delCT (NM_000368.4); c.1197_1198del, p.Cys400fs (NM_001162426.2); c.1047_1048del, p.Cys350fs (NM_001162427.2); c.837_838del, p.Cys280fs (NM_001362177.2); short protein forms C280fs, C350fs, C400fs, C401fs.
Identifiers: ClinVar variation 504146 (VCV000504146.5), dbSNP rs1554817140, ClinGen allele CA658797326.
Genomic context (GRCh38, chr9:132,910,632, plus strand): 5'-TTCCTGGGGGGTGTGACTGTGGCCTGGGGGAGTGAAATGTGCACGTAGTCATCCGAATGA[CAG>C]AGTGGGGCTGGAGGAGGAGAGGTTGCTGGGGTTCCCAGAGGAGTTCCTTTTCCACCTGCT-3'

ClinVar aggregate classification (germline): Pathogenic. Review status: criteria provided, multiple submitters, no conflicts (2 of 4 stars). 2 submissions from 2 submitters: Pathogenic (2). Last evaluated 2023-12-31.

Conditions:
Tuberous sclerosis 1 (TSC1). Identifiers: Orphanet 805, MedGen C1854465, MONDO:0008612, OMIM 191100.

Submissions (2):

Labcorp Genetics (formerly Invitae), Labcorp
Classification: Pathogenic for Tuberous sclerosis 1. Last evaluated: 2023-12-31. Review status: criteria provided, single submitter. Criteria: Invitae Variant Classification Sherloc (09022015). Collection method: clinical testing. Allele origin: germline.
Comment: This sequence change creates a premature translational stop signal (p.Cys401Serfs*4) in the TSC1 gene. It is expected to result in an absent or disrupted protein product. Loss-of-function variants in TSC1 are known to be pathogenic (PMID: 10227394, 17304050). This variant is not present in population databases (gnomAD no frequency). This variant has not been reported in the literature in individuals affected with TSC1-related conditions. ClinVar contains an entry for this variant (Variation ID: 504146). For these reasons, this variant has been classified as Pathogenic.

GeneDx
Classification: Pathogenic. Last evaluated: 2018-01-30. Review status: criteria provided, single submitter. Criteria: GeneDx Variant Classification (06012015). Collection method: clinical testing. Allele origin: germline. Affected: yes.
Comment: The c.1200_1201delCT pathogenic variant in the TSC1 gene causes a frameshift starting with codon Cysteine 401, changes this amino acid to a Serine residue and creates a premature Stop codon at position 4 of the new reading frame, denoted p.Cys401SerfsX4 . This pathogenic variant is predicted to cause loss of normal protein function either through protein truncation or nonsense-mediated mRNA decay. The c.1200_1201delCT variant is not observed in large population cohorts (Lek et al., 2016).

Literature cited by the submitters: PubMed 10227394 (cited by Labcorp Genetics (formerly Invitae), Labcorp); PubMed 17304050 (cited by Labcorp Genetics (formerly Invitae), Labcorp).